The following is an entry in ClinVar:

NM_000465.4(BARD1):c.155G>A (p.Arg52His)

Gene: BARD1 (BRCA1 associated RING domain 1; minus strand). Cytogenetic location: 2q35.
Variant type: single nucleotide variant.
Coding change: c.155G>A on transcript NM_000465.4 (MANE Select); coding-DNA position 155, G replaced by A.
Protein change: p.Arg52His; replaces arginine 52 with histidine.
Molecular consequence: missense variant. On other transcripts: non-coding transcript variant (3).
Genome position (GRCh38, 1-based): chr2:214,809,415, C>T on the plus strand (G>A on the coding strand, the complement: BARD1 is on the minus strand). VCF-style: chr2-214809415-C-T. GRCh37 (hg19) VCF-style: chr2-215674139-C-T.
Other names: c.155G>A, p.Arg52His (NM_001282543.2, NM_001282545.2, NM_001282548.2 and 1 more transcripts); c.155G>A (NM_000465.2); short protein forms R52H.
Identifiers: ClinVar variation 530045 (VCV000530045.19), dbSNP rs574257684, ClinGen allele CA2090508.
Genomic context (GRCh38, chr2:214,809,415, plus strand): 5'-CCCAGAAACTGTGCGACCCGTGCCCTCGCAGCCACCCCCAAGAAGCTCCGTCTTTACCAA[C>T]GCGAGCAGCGCAGCAGCTTCTCCAGGCGGTCGAGCGCGGCGCGACTGTGGGCCCAGGCAC-3'
Protein context (NP_000456.2, residues 42-62): DRLEKLLRCS[Arg52His]CTNILREPVC

ClinVar aggregate classification (germline): Uncertain significance. Review status: criteria provided, multiple submitters, no conflicts (2 of 4 stars). 5 submissions from 5 submitters: Uncertain significance (5). Last evaluated 2025-11-03.

Conditions:
Hereditary cancer-predisposing syndrome. Also called: Hereditary neoplastic syndrome; Neoplastic Syndromes, Hereditary; Hereditary Cancer Syndrome; Tumor predisposition. Identifiers: Orphanet 140162, MedGen C0027672, MeSH D009386, MONDO:0015356.
Familial cancer of breast. Also called: BREAST CANCER, FAMILIAL; Hereditary breast cancer; hereditary breast carcinoma. Identifiers: Orphanet 227535, MedGen C0346153, MONDO:0016419, OMIM 114480. Disease mechanism: loss of function.

Allele frequency attached by ClinVar (database versions not stated): gnomAD exomes below 0.00001 and 0.00001; ExAC 0.00001; 1000 Genomes Project 0.00020.
gnomAD v4.1: 2 of 1,612,480 alleles (0.00012%); highest among the groups gnomAD compares: Non-Finnish European, 0.00017%; no homozygotes.

Submissions (5):

Labcorp Genetics (formerly Invitae), Labcorp
Classification: Uncertain significance for Familial cancer of breast. Last evaluated: 2025-11-03. Review status: criteria provided, single submitter. Criteria: Invitae Variant Classification Sherloc (09022015). Collection method: clinical testing. Allele origin: germline.
Comment: This sequence change replaces arginine, which is basic and polar, with histidine, which is basic and polar, at codon 52 of the BARD1 protein (p.Arg52His). The frequency data for this variant in the population databases is considered unreliable, as metrics indicate poor data quality at this position in the gnomAD database. This missense change has been observed in individual(s) with breast cancer (PMID: 31871109). ClinVar contains an entry for this variant (Variation ID: 530045). An algorithm developed to predict the effect of missense changes on protein structure and function (PolyPhen-2) suggests that this variant is likely to be disruptive. In summary, the available evidence is currently insufficient to determine the role of this variant in disease. Therefore, it has been classified as a Variant of Uncertain Significance.

Ambry Genetics
Classification: Uncertain significance for Hereditary cancer-predisposing syndrome. Last evaluated: 2025-10-26. Review status: criteria provided, single submitter. Criteria: Ambry Variant Classification Scheme 2023. Collection method: clinical testing. Allele origin: germline.
Comment: The p.R52H variant (also known as c.155G>A), located in coding exon 1 of the BARD1 gene, results from a G to A substitution at nucleotide position 155. The arginine at codon 52 is replaced by histidine, an amino acid with highly similar properties. This amino acid position is highly conserved in available vertebrate species. In addition, this alteration is predicted to be tolerated by in silico analysis. Since supporting evidence is limited at this time, the clinical significance of this alteration remains unclear.

GeneDx
Classification: Uncertain significance. Last evaluated: 2024-02-05. Review status: criteria provided, single submitter. Criteria: GeneDx Variant Classification Process June 2021. Collection method: clinical testing. Allele origin: germline. Affected: yes.
Comment: Not observed at significant frequency in large population cohorts (gnomAD); In silico analysis supports that this missense variant does not alter protein structure/function; Has not been previously published as pathogenic or benign to our knowledge; This variant is associated with the following publications: (PMID: 18480049, 31871109)

Genetic Services Laboratory, University of Chicago
Classification: Uncertain significance. Last evaluated: 2021-06-15. Review status: criteria provided, single submitter. Criteria: ACMG Guidelines, 2015. Collection method: clinical testing. Allele origin: germline. Affected: no.
Comment: DNA sequence analysis of the BARD1 gene demonstrated a sequence change, c.155G>A, in exon 1 that results in an amino acid change, p.Arg52His. This sequence change has been described in the gnomAD database with a frequency of 0.0033% in the South Asian subpopulation (dbSNP rs574257684). The p.Arg52His change affects a poorly conserved amino acid residue located in a domain of the BARD1 protein that is known to be functional. In-silico pathogenicity prediction tools (SIFT, PolyPhen2, Align GVGD, REVEL) provide contradictory results for the p.Arg52His substitution. This sequence change has been reported in an individual with a history of breast cancer who underwent germline genetic testing (PMID: 31871109). Due insufficient evidences and the lack of functional studies, the clinical significance of the p.Arg52His change remains unknown at this time

Color Diagnostics, LLC DBA Color Health
Classification: Uncertain significance for Hereditary cancer-predisposing syndrome. Last evaluated: 2020-01-16. Review status: criteria provided, single submitter. Criteria: ACMG Guidelines, 2015. Collection method: clinical testing. Allele origin: germline.
Comment: This missense variant replaces arginine with histidine at codon 52 of the BARD1 protein. Computational prediction suggests that this variant may not impact protein structure and function (internally defined REVEL score threshold <= 0.5, PMID: 27666373). Splice site prediction tools suggest that this variant may not impact RNA splicing. To our knowledge, functional studies have not been performed for this variant. This variant has been reported in an individual affected with breast cancer (PMID: 31871109). This variant has been identified in 2/242408 chromosomes in the general population by the Genome Aggregation Database (gnomAD). The available evidence is insufficient to determine the role of this variant in disease conclusively. Therefore, this variant is classified as a Variant of Uncertain Significance.

Literature cited by the submitters: PubMed 31871109 (cited by Labcorp Genetics (formerly Invitae), Labcorp and Ambry Genetics).